The following is an entry in ClinVar:

NM_001164508.2(NEB):c.16653C>T (p.Pro5551=)

Gene: NEB (nebulin; minus strand). Cytogenetic location: 2q23.3.
Variant type: single nucleotide variant.
Coding change: c.16653C>T on transcript NM_001164508.2 (MANE Select); coding-DNA position 16653, C replaced by T.
Protein change: p.Pro5551=; no amino-acid change (proline 5551 retained).
Molecular consequence: synonymous variant. On other transcripts: intron variant (1).
Genome position (GRCh38, 1-based): chr2:151,579,389, G>A on the plus strand (C>T on the coding strand, the complement: NEB is on the minus strand). VCF-style: chr2-151579389-G-A. GRCh37 (hg19) VCF-style: chr2-152435903-G-A.
Other names: c.16653C>T, p.Pro5551= (NM_001164507.2, NM_001271208.2); c.11602-3035C>T (NM_004543.5).
Identifiers: ClinVar variation 2651427 (VCV002651427.24), dbSNP rs564867595, ClinGen allele CA1908411.

ClinVar aggregate classification (germline): Likely benign (1 of 4 stars; one submission).

Allele frequency attached by ClinVar (database versions not stated): TOPMed 0.00004; gnomAD 0.00025; gnomAD exomes 0.00033; ExAC 0.00198; 1000 Genomes Project 0.00280; 1000 Genomes Project 30x 0.00312.

Submission:

CeGaT Center for Human Genetics Tuebingen
Classification: Likely benign. Last evaluated: 2022-12-01. Review status: criteria provided, single submitter. Criteria: CeGaT Center For Human Genetics Tuebingen Variant Classification Criteria Version 2. Collection method: clinical testing. Allele origin: germline. Affected: yes. Observed: 1 variant allele.
Comment: NEB: BP4, BP7, BS2